The following is an entry in ClinVar:

NM_005228.5(EGFR):c.3356C>G (p.Pro1119Arg)

Gene: EGFR (epidermal growth factor receptor; plus strand). Cytogenetic location: 7p11.2.
Variant type: single nucleotide variant.
Coding change: c.3356C>G on transcript NM_005228.5 (MANE Select); coding-DNA position 3356, C replaced by G.
Protein change: p.Pro1119Arg; replaces proline 1119 with arginine.
Molecular consequence: missense variant.
Genome position (GRCh38, 1-based): chr7:55,205,340, C>G. VCF-style: chr7-55205340-C-G. GRCh37 (hg19) VCF-style: chr7-55273033-C-G.
Other names: c.3221C>G, p.Pro1074Arg (NM_001346899.2); c.3197C>G, p.Pro1066Arg (NM_001346900.2); c.2555C>G, p.Pro852Arg (NM_001346941.2); c.3356C>G (NM_005228.3); short protein forms P1074R, P852R, P1066R, P1119R.
Identifiers: ClinVar variation 1394776 (VCV001394776.7), dbSNP rs902672760, ClinGen allele CA158940513.

ClinVar aggregate classification (germline): Uncertain significance. Review status: criteria provided, multiple submitters, no conflicts (2 of 4 stars). 2 submissions from 2 submitters: Uncertain significance (2). Last evaluated 2025-11-30.

Conditions:
Hereditary cancer-predisposing syndrome. Also called: Neoplastic Syndromes, Hereditary; Hereditary neoplastic syndrome; Tumor predisposition; Hereditary Cancer Syndrome. Identifiers: Orphanet 140162, MedGen C0027672, MeSH D009386, MONDO:0015356.
EGFR-related lung cancer (EGFR). Identifiers: MedGen CN130014.

Allele frequency attached by ClinVar (database versions not stated): gnomAD exomes below 0.00001; TOPMed below 0.00001.
gnomAD v4.1: 2 of 1,611,760 alleles (0.00012%); highest among the groups gnomAD compares: Non-Finnish European, 0.00017%; no homozygotes.

Submissions (2):

Ambry Genetics
Classification: Uncertain significance for Hereditary cancer-predisposing syndrome. Last evaluated: 2025-11-30. Review status: criteria provided, single submitter. Criteria: Ambry Variant Classification Scheme 2023. Collection method: clinical testing. Allele origin: germline.
Comment: The p.P1119R variant (also known as c.3356C>G), located in coding exon 28 of the EGFR gene, results from a C to G substitution at nucleotide position 3356. The proline at codon 1119 is replaced by arginine, an amino acid with dissimilar properties. This amino acid position is conserved. In addition, this alteration is predicted to be tolerated by in silico analysis. Based on the available evidence, the clinical significance of this variant remains unclear.

Labcorp Genetics (formerly Invitae), Labcorp
Classification: Uncertain significance for EGFR-related lung cancer. Last evaluated: 2025-06-11. Review status: criteria provided, single submitter. Criteria: Invitae Variant Classification Sherloc (09022015). Collection method: clinical testing. Allele origin: germline.
Comment: This sequence change replaces proline, which is neutral and non-polar, with arginine, which is basic and polar, at codon 1119 of the EGFR protein (p.Pro1119Arg). This variant is present in population databases (no rsID available, gnomAD 0.0009%). This variant has not been reported in the literature in individuals affected with EGFR-related conditions. ClinVar contains an entry for this variant (Variation ID: 1394776). An algorithm developed to predict the effect of missense changes on protein structure and function (PolyPhen-2) suggests that this variant is likely to be tolerated. In summary, the available evidence is currently insufficient to determine the role of this variant in disease. Therefore, it has been classified as a Variant of Uncertain Significance.